The following is an entry in ClinVar:

ClinVar aggregate classification (germline): Conflicting classifications of pathogenicity. Review status: criteria provided, conflicting classifications (1 of 4 stars). 2 submissions from 2 submitters: Uncertain significance (1); Likely benign (1). Last evaluated 2024-10-15.

Allele frequency attached by ClinVar (database versions not stated): TOPMed 0.00002; gnomAD 0.00004; gnomAD exomes 0.00007; ExAC 0.00010.
gnomAD v4.1: 85 of 1,613,136 alleles (0.0053%); highest among the groups gnomAD compares: Non-Finnish European, 0.0067%; no homozygotes.

Submissions (2):

Labcorp Genetics (formerly Invitae), Labcorp
Classification: Uncertain significance. Last evaluated: 2024-10-15. Review status: criteria provided, single submitter. Criteria: Invitae Variant Classification Sherloc (09022015). Collection method: clinical testing. Allele origin: germline.
Comment: This sequence change falls in intron 27 of the FLNB gene. It does not directly change the encoded amino acid sequence of the FLNB protein. It affects a nucleotide within the consensus splice site. This variant is present in population databases (rs776434196, gnomAD 0.02%). This variant has not been reported in the literature in individuals affected with FLNB-related conditions. ClinVar contains an entry for this variant (Variation ID: 515882). Variants that disrupt the consensus splice site are a relatively common cause of aberrant splicing (PMID: 17576681, 9536098). Algorithms developed to predict the effect of sequence changes on RNA splicing suggest that this variant is not likely to affect RNA splicing. In summary, the available evidence is currently insufficient to determine the role of this variant in disease. Therefore, it has been classified as a Variant of Uncertain Significance.

GeneDx
Classification: Likely benign. Last evaluated: 2018-02-27. Review status: criteria provided, single submitter. Criteria: GeneDx Variant Classification (06012015). Collection method: clinical testing. Allele origin: germline. Affected: yes.
Comment: This variant is considered likely benign or benign based on one or more of the following criteria: it is a conservative change, it occurs at a poorly conserved position in the protein, it is predicted to be benign by multiple in silico algorithms, and/or has population frequency not consistent with disease.

Literature cited by the submitters: PubMed 17576681 (cited by Labcorp Genetics (formerly Invitae), Labcorp); PubMed 9536098 (cited by Labcorp Genetics (formerly Invitae), Labcorp).

NM_001457.4(FLNB):c.4671+5C>G

Gene: FLNB (filamin B; plus strand). Cytogenetic location: 3p14.3.
Variant type: single nucleotide variant.
Coding change: c.4671+5C>G on transcript NM_001457.4 (MANE Select); 5 bases into the intron after coding-DNA position 4671, C replaced by G.
Molecular consequence: intron variant.
Genome position (GRCh38, 1-based): chr3:58,134,777, C>G. VCF-style: chr3-58134777-C-G. GRCh37 (hg19) VCF-style: chr3-58120504-C-G.
Other names: c.4764+5C>G (NM_001164317.2); c.4671+5C>G (NM_001164318.2, NM_001164319.2).
Identifiers: ClinVar variation 515882 (VCV000515882.5), dbSNP rs776434196, ClinGen allele CA2468832.